The following is an entry in ClinVar:

ClinVar aggregate classification (germline): Likely pathogenic (1 of 4 stars; one submission).

Conditions:
Inflammatory skin and bowel disease, neonatal, 1. Identifiers: Orphanet 294023, MedGen C3280501, MONDO:0013693, OMIM 614328.

gnomAD v4.1: 2 of 1,613,856 alleles (0.00012%); highest among the groups gnomAD compares: South Asian, 0.0011%; no homozygotes.

Submission:

Labcorp Genetics (formerly Invitae), Labcorp
Classification: Likely pathogenic for Inflammatory skin and bowel disease, neonatal, 1. Last evaluated: 2023-03-13. Review status: criteria provided, single submitter. Criteria: Invitae Variant Classification Sherloc (09022015). Collection method: clinical testing. Allele origin: germline.
Comment: In summary, the currently available evidence indicates that the variant is pathogenic, but additional data are needed to prove that conclusively. Therefore, this variant has been classified as Likely Pathogenic. Algorithms developed to predict the effect of sequence changes on RNA splicing suggest that this variant may disrupt the consensus splice site. This variant has not been reported in the literature in individuals affected with ADAM17-related conditions. This variant is not present in population databases (gnomAD no frequency). This sequence change affects a donor splice site in intron 11 of the ADAM17 gene. It is expected to disrupt RNA splicing. Variants that disrupt the donor or acceptor splice site typically lead to a loss of protein function (PMID: 16199547), and loss-of-function variants in ADAM17 are known to be pathogenic (PMID: 22010916, 25804906).

Literature cited by the submitters: PubMed 16199547; PubMed 22010916; PubMed 25804906.

NM_003183.6(ADAM17):c.1344+1G>T

Genes: ADAM17 (ADAM metallopeptidase domain 17; minus strand), IAH1 (isoamyl acetate hydrolyzing esterase 1 (putative); plus strand). Cytogenetic location: 2p25.1.
Variant type: single nucleotide variant.
Coding change: c.1344+1G>T on transcript NM_003183.6 (MANE Select); the canonical splice donor site of the intron after coding-DNA position 1344, G replaced by T.
Molecular consequence: splice donor variant.
Genome position (GRCh38, 1-based): chr2:9,509,978, C>A on the plus strand (G>T on the coding strand, the complement: ADAM17 is on the minus strand). VCF-style: chr2-9509978-C-A. GRCh37 (hg19) VCF-style: chr2-9650107-C-A.
Other names: c.684+1G>T (NM_001382777.1); c.447+1G>T (NM_001382778.1).
Identifiers: ClinVar variation 2831726 (VCV002831726.3), dbSNP rs2531219086, ClinGen allele CA345777867.
Genomic context (GRCh38, chr2:9,509,978, plus strand): 5'-TTATGATCATTATACACAGCCTCTTTCCAAACCACATAAAAAATTCTCGACACACACATA[C>A]CTTATTGTTCTCGTGATCGCCACTCACAGCTATGGGATACATGACATATTTCCCTCCCTG-3'